The following is an entry in ClinVar:

NM_000051.4(ATM):c.2856G>A (p.Lys952=)

Gene: ATM (ATM serine/threonine kinase; plus strand). Cytogenetic location: 11q22.3.
Variant type: single nucleotide variant.
Coding change: c.2856G>A on transcript NM_000051.4 (MANE Select); coding-DNA position 2856, G replaced by A.
Protein change: p.Lys952=; no amino-acid change (lysine 952 retained).
Molecular consequence: synonymous variant.
Genome position (GRCh38, 1-based): chr11:108,271,081, G>A. VCF-style: chr11-108271081-G-A. GRCh37 (hg19) VCF-style: chr11-108141808-G-A.
Other names: c.2856G>A, p.Lys952= (NM_001351834.2).
Identifiers: ClinVar variation 1332195 (VCV001332195.8), dbSNP rs2135547604, ClinGen allele CA476674140.
Genomic context (GRCh38, chr11:108,271,081, plus strand): 5'-GATTTGTGGATAAACCTGATTTTTTTCCCTCCTACCATCTTAGTATCTAATGCTTTTAAA[G>A]GAGCTTCCTGGAGAAGAGTACCCCTTGCCAATGGAAGATGTTCTTGAACTTCTGAAACCA-3'
Protein context (NP_000042.3, residues 942-962): LHLHMYLMLL[Lys952=]ELPGEEYPLP

ClinVar aggregate classification (germline): Benign/Likely benign. Review status: criteria provided, multiple submitters, no conflicts (2 of 4 stars). 3 submissions from 3 submitters: Benign (1); Likely benign (2). Last evaluated 2024-05-10.

Conditions:
Hereditary cancer-predisposing syndrome. Also called: Hereditary Cancer Syndrome; Hereditary neoplastic syndrome; Neoplastic Syndromes, Hereditary; Tumor predisposition. Identifiers: Orphanet 140162, MedGen C0027672, MeSH D009386, MONDO:0015356.
Familial cancer of breast. Also called: BREAST CANCER, FAMILIAL; hereditary breast carcinoma; Hereditary breast cancer. Identifiers: Orphanet 227535, MedGen C0346153, MONDO:0016419, OMIM 114480. Disease mechanism: loss of function.
Ataxia-telangiectasia syndrome (AT). Also called: LOUIS-BAR SYNDROME; Cerebello-oculocutaneous telangiectasia; Immunodeficiency with ataxia telangiectasia; Ataxia-telangiectasia, complementation group D; AT, COMPLEMENTATION GROUP C; ATAXIA-TELANGIECTASIA, COMPLEMENTATION GROUP A. Identifiers: Orphanet 100, MedGen C0004135, MONDO:0008840, OMIM 208900.

Submissions (3):

Myriad Genetics, Inc.
Classification: Benign for Familial cancer of breast. Last evaluated: 2024-05-10. Review status: criteria provided, single submitter. Criteria: Myriad Autosomal Dominant, Autosomal Recessive and X-Linked Classification Criteria (2023). Collection method: clinical testing. Allele origin: unknown.
Comment: This variant is considered benign. This variant is a silent/synonymous amino acid change and it is not expected to impact splicing.

Color Diagnostics, LLC DBA Color Health
Classification: Likely benign for Hereditary cancer-predisposing syndrome. Last evaluated: 2023-12-04. Review status: criteria provided, single submitter. Criteria: ACMG Guidelines, 2015. Collection method: clinical testing. Allele origin: germline.

Labcorp Genetics (formerly Invitae), Labcorp
Classification: Likely benign for Ataxia-telangiectasia syndrome. Last evaluated: 2023-10-23. Review status: criteria provided, single submitter. Criteria: Invitae Variant Classification Sherloc (09022015). Collection method: clinical testing. Allele origin: germline.